The following is an entry in ClinVar:

NM_006206.6(PDGFRA):c.784G>C (p.Glu262Gln)

Gene: PDGFRA (platelet derived growth factor receptor alpha; plus strand). Cytogenetic location: 4q12.
Variant type: single nucleotide variant.
Coding change: c.784G>C on transcript NM_006206.6 (MANE Select); coding-DNA position 784, G replaced by C.
Protein change: p.Glu262Gln; replaces glutamic acid 262 with glutamine.
Molecular consequence: missense variant.
Genome position (GRCh38, 1-based): chr4:54,267,313, G>C. VCF-style: chr4-54267313-G-C. GRCh37 (hg19) VCF-style: chr4-55133480-G-C.
Other names: c.784G>C, p.Glu262Gln (NM_001347827.2, NM_001347829.2); c.859G>C, p.Glu287Gln (NM_001347828.2); c.823G>C, p.Glu275Gln (NM_001347830.2); short protein forms E262Q, E275Q, E287Q.
Identifiers: ClinVar variation 407440 (VCV000407440.19), dbSNP rs376265745, ClinGen allele CA2922388.

ClinVar aggregate classification (germline): Conflicting classifications of pathogenicity. Review status: criteria provided, conflicting classifications (1 of 4 stars). 5 submissions from 5 submitters: Uncertain significance (3); Likely benign (2). Last evaluated 2026-06-12.

Conditions:
Hereditary cancer-predisposing syndrome. Also called: Neoplastic Syndromes, Hereditary; Hereditary Cancer Syndrome; Hereditary neoplastic syndrome; Tumor predisposition. Identifiers: Orphanet 140162, MedGen C0027672, MeSH D009386, MONDO:0015356.
Polyps, multiple and recurrent inflammatory fibroid, gastrointestinal. Identifiers: MedGen C5193005, MONDO:0008285, OMIM 175510.
Gastrointestinal stromal tumor. Also called: Gastrointestinal stroma tumor; Gastrointestinal stromal tumor, somatic. Identifiers: Orphanet 44890, MedGen C0238198, MeSH D046152, MONDO:0011719, OMIM 606764, HP:0100723.

Allele frequency attached by ClinVar (database versions not stated): gnomAD 0.00004; TOPMed 0.00004; ExAC 0.00005; ESP Exome Variant Server 0.00008.
gnomAD v4.1: 120 of 1,614,048 alleles (0.0074%); highest among the groups gnomAD compares: Non-Finnish European, 0.01%; no homozygotes.

Submissions (5):

Myriad Genetics, Inc.
Classification: Likely benign for Polyps, multiple and recurrent inflammatory fibroid, gastrointestinal. Last evaluated: 2026-06-12. Review status: criteria provided, single submitter. Criteria: Myriad Autosomal Dominant, Autosomal Recessive and X-Linked Classification Criteria (2023). Collection method: clinical testing. Allele origin: unknown.
Comment: This variant is considered likely benign. This variant has been observed at a population frequency that is significantly greater than expected given the associated disease prevalence and penetrance.

Labcorp Genetics (formerly Invitae), Labcorp
Classification: Uncertain significance for Gastrointestinal stromal tumor. Last evaluated: 2026-01-04. Review status: criteria provided, single submitter. Criteria: Invitae Variant Classification Sherloc (09022015). Collection method: clinical testing. Allele origin: germline.
Comment: This sequence change replaces glutamic acid, which is acidic and polar, with glutamine, which is neutral and polar, at codon 262 of the PDGFRA protein (p.Glu262Gln). This variant is present in population databases (rs376265745, gnomAD 0.007%). This variant has not been reported in the literature in individuals affected with PDGFRA-related conditions. ClinVar contains an entry for this variant (Variation ID: 407440). Invitae Evidence Modeling of protein sequence and biophysical properties (such as structural, functional, and spatial information, amino acid conservation, physicochemical variation, residue mobility, and thermodynamic stability) indicates that this missense variant is not expected to disrupt PDGFRA protein function with a negative predictive value of 80%. In summary, the available evidence is currently insufficient to determine the role of this variant in disease. Therefore, it has been classified as a Variant of Uncertain Significance.

GeneDx
Classification: Uncertain significance. Last evaluated: 2024-08-08. Review status: criteria provided, single submitter. Criteria: GeneDx Variant Classification Process June 2021. Collection method: clinical testing. Allele origin: germline. Affected: yes.
Comment: In silico analysis indicates that this missense variant does not alter protein structure/function; Has not been previously published as pathogenic or benign to our knowledge

ARUP Laboratories, Molecular Genetics and Genomics, ARUP Laboratories
Classification: Uncertain significance. Last evaluated: 2024-07-29. Review status: criteria provided, single submitter. Criteria: ARUP Molecular Germline Variant Investigation Process 2024. Collection method: clinical testing. Allele origin: germline.
Comment: The PDGFRA c.784G>C; p.Glu262Gln variant (rs376265745), to our knowledge, is not reported in the medical literature but is reported in ClinVar (Variation ID: 407440). This variant is found in the non-Finnish European population with an allele frequency of 0.006% (7/113594 alleles) in the Genome Aggregation Database (v2.1.1). Computational analyses predict that this variant is neutral (REVEL: 0.051). Due to limited information, the clinical significance of this variant is uncertain at this time.

Ambry Genetics
Classification: Likely benign for Hereditary cancer-predisposing syndrome. Last evaluated: 2019-09-03. Review status: criteria provided, single submitter. Criteria: Ambry Variant Classification Scheme 2023. Collection method: clinical testing. Allele origin: germline.